The following is an entry in ClinVar:

ClinVar aggregate classification (germline): Uncertain significance. Review status: criteria provided, multiple submitters, no conflicts (2 of 4 stars). 2 submissions from 2 submitters: Uncertain significance (2). Last evaluated 2024-01-08.

Conditions:
Orofaciodigital syndrome type 6 (OFD6). Also called: OROFACIODIGITAL SYNDROME VI; OFDS VI; POLYDACTYLY, CLEFT LIP/PALATE OR LINGUAL LUMP, AND PSYCHOMOTOR RETARDATION; VARADI SYNDROME; VARADI-PAPP SYNDROME; Oral-facial-digital syndrome type 6. Identifiers: Orphanet 2754, MedGen C2745997, MONDO:0010176, OMIM 277170.
Joubert syndrome 17 (JBTS17). Identifiers: Orphanet 475, MedGen C3553264, MONDO:0013824, OMIM 614615.

Allele frequency attached by ClinVar (database versions not stated): gnomAD exomes 0.00001 and 0.00007; gnomAD 0.00002; TOPMed 0.00003.

Submissions (2):

Fulgent Genetics
Classification: Uncertain significance for Orofaciodigital syndrome type 6; Joubert syndrome 17. Last evaluated: 2024-01-08. Review status: criteria provided, single submitter. Criteria: ACMG Guidelines, 2015. Collection method: clinical testing. Allele origin: germline.

Labcorp Genetics (formerly Invitae), Labcorp
Classification: Uncertain significance. Last evaluated: 2022-10-13. Review status: criteria provided, single submitter. Criteria: Invitae Variant Classification Sherloc (09022015). Collection method: clinical testing. Allele origin: germline.
Comment: This variant is present in population databases (rs766935499, gnomAD 0.03%). In summary, the available evidence is currently insufficient to determine the role of this variant in disease. Therefore, it has been classified as a Variant of Uncertain Significance. Advanced modeling of protein sequence and biophysical properties (such as structural, functional, and spatial information, amino acid conservation, physicochemical variation, residue mobility, and thermodynamic stability) performed at Invitae indicates that this missense variant is not expected to disrupt CPLANE1 protein function. ClinVar contains an entry for this variant (Variation ID: 1483661). This variant has not been reported in the literature in individuals affected with CPLANE1-related conditions. This sequence change replaces asparagine, which is neutral and polar, with serine, which is neutral and polar, at codon 125 of the CPLANE1 protein (p.Asn125Ser).

NM_001384732.1(CPLANE1):c.374A>G (p.Asn125Ser)

Gene: CPLANE1 (ciliogenesis and planar polarity effector complex subunit 1; minus strand). Cytogenetic location: 5p13.2.
Variant type: single nucleotide variant.
Coding change: c.374A>G on transcript NM_001384732.1 (MANE Select); coding-DNA position 374, A replaced by G.
Protein change: p.Asn125Ser; replaces asparagine 125 with serine.
Molecular consequence: missense variant.
Genome position (GRCh38, 1-based): chr5:37,244,571, T>C on the plus strand (A>G on the coding strand, the complement: CPLANE1 is on the minus strand). VCF-style: chr5-37244571-T-C. GRCh37 (hg19) VCF-style: chr5-37244673-T-C.
Other names: c.374A>G, p.Asn125Ser (NM_023073.4); c.374A>G (NM_023073.3); short protein forms N125S.
Identifiers: ClinVar variation 1483661 (VCV001483661.5), dbSNP rs766935499, ClinGen allele CA117068875.
Genomic context (GRCh38, chr5:37,244,571, plus strand): 5'-TCCAAATATTCCCAAAGAAATATGCATCCAGAAGGTGTTATGAGCACAATTCTTTTCCCA[T>C]TTCCAGATACATACAAGTACAGTCTCAAAGAGCTTGCTAAAAAAGTAACAAAAAAAGTAA-3'
Protein context (NP_001371661.1, residues 115-135): SLRLYLYVSG[Asn125Ser]GKRIVLITPS